The following is an entry in ClinVar:

NM_001371596.2(MFSD8):c.632C>T (p.Thr211Ile)

Gene: MFSD8 (major facilitator superfamily domain containing 8; minus strand). Cytogenetic location: 4q28.2.
Variant type: single nucleotide variant.
Coding change: c.632C>T on transcript NM_001371596.2 (MANE Select); coding-DNA position 632, C replaced by T.
Protein change: p.Thr211Ile; replaces threonine 211 with isoleucine.
Molecular consequence: missense variant. On other transcripts: intron variant (5).
Genome position (GRCh38, 1-based): chr4:127,939,919, G>A on the plus strand (C>T on the coding strand, the complement: MFSD8 is on the minus strand). VCF-style: chr4-127939919-G-A. GRCh37 (hg19) VCF-style: chr4-128861074-G-A.
Other names: c.497C>T, p.Thr166Ile (NM_001371590.2); c.632C>T, p.Thr211Ile (NM_001371591.2, NM_152778.4); c.638C>T, p.Thr213Ile (NM_001371592.2); c.518C>T, p.Thr173Ile (NM_001371593.2, NM_001410766.1); c.419-1083C>T (NM_001371595.1); c.304+3833C>T (NM_001410765.1); c.439+3833C>T (NM_001363521.3); c.553+2126C>T (NM_001363520.3); and 1 more; short protein forms T166I, T173I, T211I, T213I.
Identifiers: ClinVar variation 1060133 (VCV001060133.5), dbSNP rs925670950, ClinGen allele CA105684155.

ClinVar aggregate classification (germline): Uncertain significance. Review status: criteria provided, single submitter (1 of 4 stars). 2 submissions from 2 submitters: Uncertain significance (1). 1 of the submissions does not count toward it. Last evaluated 2025-01-13.

Conditions:
Late-infantile neuronal ceroid lipofuscinosis. Also called: Jansky-Bielschowsky disease. Identifiers: MedGen C0022340, MONDO:0015674.
Neuronal ceroid lipofuscinosis 7 (CLN7). Also called: MFSD8-Related Neuronal Ceroid-Lipofuscinosis. Identifiers: Orphanet 168491, Orphanet 228366, MedGen C1838571, MONDO:0012588, OMIM 610951.

Allele frequency attached by ClinVar (database versions not stated): gnomAD 0.00001; gnomAD exomes 0.00001; TOPMed 0.00001.
gnomAD v4.1: 9 of 1,613,228 alleles (0.00056%); highest among the groups gnomAD compares: Admixed American, 0.0033%; no homozygotes.

Submissions (2):

Labcorp Genetics (formerly Invitae), Labcorp
Classification: Uncertain significance for Neuronal ceroid lipofuscinosis 7. Last evaluated: 2025-01-13. Review status: criteria provided, single submitter. Criteria: Invitae Variant Classification Sherloc (09022015). Collection method: clinical testing. Allele origin: germline.
Comment: This sequence change replaces threonine, which is neutral and polar, with isoleucine, which is neutral and non-polar, at codon 211 of the MFSD8 protein (p.Thr211Ile). This variant is present in population databases (no rsID available, gnomAD 0.003%). This variant has not been reported in the literature in individuals affected with MFSD8-related conditions. ClinVar contains an entry for this variant (Variation ID: 1060133). Invitae Evidence Modeling of protein sequence and biophysical properties (such as structural, functional, and spatial information, amino acid conservation, physicochemical variation, residue mobility, and thermodynamic stability) indicates that this missense variant is expected to disrupt MFSD8 protein function with a positive predictive value of 80%. Algorithms developed to predict the effect of sequence changes on RNA splicing suggest that this variant may disrupt the consensus splice site. In summary, the available evidence is currently insufficient to determine the role of this variant in disease. Therefore, it has been classified as a Variant of Uncertain Significance.

Natera, Inc.
Classification: Uncertain significance for Late-infantile neuronal ceroid lipofuscinosis. Last evaluated: 2020-11-06. Review status: no assertion criteria provided. Collection method: clinical testing. Allele origin: germline. Not counted in ClinVar's aggregate classification.